The following is an entry in ClinVar:

NM_019844.4(SLCO1B3):c.181A>T (p.Ile61Leu)

Genes: SLCO1B3 (solute carrier organic anion transporter family member 1B3; plus strand), SLCO1B3-SLCO1B7 (SLCO1B3-SLCO1B7 readthrough; plus strand). Cytogenetic location: 12p12.2.
Variant type: single nucleotide variant.
Coding change: c.181A>T on transcript NM_019844.4 (MANE Select); coding-DNA position 181, A replaced by T.
Protein change: p.Ile61Leu; replaces isoleucine 61 with leucine.
Molecular consequence: missense variant.
Genome position (GRCh38, 1-based): chr12:20,855,124, A>T. VCF-style: chr12-20855124-A-T. GRCh37 (hg19) VCF-style: chr12-21008058-A-T.
Other names: c.181A>T, p.Ile61Leu (NM_001371097.1); c.97A>T, p.Ile33Leu (NM_001349920.2); short protein forms I33L, I61L.
Identifiers: ClinVar variation 4990131 (VCV004990131.1).
Genomic context (GRCh38, chr12:20,855,124, plus strand): 5'-AAAGCACTAGGTGGAATCATTATGAAAATTTCCATCACTCAAATAGAAAGGAGATTTGAC[A>T]TATCCTCTTCTCTTGCTGGTTTAATTGATGGAAGCTTTGAAATTGGTAACTTTTATTTTT-3'
Protein context (NP_062818.1, residues 51-71): SITQIERRFD[Ile61Leu]SSSLAGLIDG

ClinVar aggregate classification (germline): Uncertain significance (1 of 4 stars; one submission).

Conditions:
SLCO1B3-related disorder. Also called: SLCO1B3-related condition.

gnomAD v4.1: 5 of 1,612,170 alleles (0.00031%); highest among the groups gnomAD compares: African/African-American, 0.0027%; no homozygotes.

Submission:

PreventionGenetics, part of Exact Sciences
Classification: Uncertain significance for SLCO1B3-related condition. Last evaluated: 2025-02-13. Review status: criteria provided, single submitter. Criteria: ACMG Guidelines, 2015. Collection method: clinical testing. Allele origin: germline.
Comment: The SLCO1B3 c.181A>T variant is predicted to result in the amino acid substitution p.Ile61Leu. To our knowledge, this variant has not been reported in the literature. This variant is reported in 0.0080% of alleles in individuals of African descent in gnomAD. At this time, the clinical significance of this variant is uncertain due to the absence of conclusive functional and genetic evidence.